The following is an entry in ClinVar:

ClinVar aggregate classification (germline): Pathogenic/Likely pathogenic. Review status: criteria provided, multiple submitters, no conflicts (2 of 4 stars). 3 submissions from 3 submitters: Pathogenic (2); Likely pathogenic (1). Last evaluated 2024-08-21.

Conditions:
Hereditary spastic paraplegia 4. Also called: Spastic paraplegia 4, autosomal dominant; Spastic Paraplegia 4; Familial spastic paraplegia autosomal dominant 2. Identifiers: Orphanet 100985, MedGen C1866855, MONDO:0008438, OMIM 182601.

Allele frequency attached by ClinVar (database versions not stated): TOPMed below 0.00001.

Submissions (3):

Labcorp Genetics (formerly Invitae), Labcorp
Classification: Pathogenic for Hereditary spastic paraplegia 4. Last evaluated: 2024-08-21. Review status: criteria provided, single submitter. Criteria: Invitae Variant Classification Sherloc (09022015). Collection method: clinical testing. Allele origin: germline.
Comment: This sequence change creates a premature translational stop signal (p.Glu112*) in the SPAST gene. It is expected to result in an absent or disrupted protein product. Loss-of-function variants in SPAST are known to be pathogenic (PMID: 20932283). This variant is not present in population databases (gnomAD no frequency). This premature translational stop signal has been observed in individuals with hereditary spastic paraplegia (HSP) (PMID: 11087788, 12552568, 20718791, 22960362). ClinVar contains an entry for this variant (Variation ID: 523792). For these reasons, this variant has been classified as Pathogenic.

GeneDx
Classification: Likely pathogenic. Last evaluated: 2022-10-31. Review status: criteria provided, single submitter. Criteria: GeneDx Variant Classification Process June 2021. Collection method: clinical testing. Allele origin: germline. Affected: yes.
Comment: Reported previously in multiple unrelated individuals with pure hereditary spastic paraplegia, however, detailed segregation information was not included and some affected individuals underwent sequencing of only the SPAST gene (Hentati et al., 2000; McCorquodale et al., 2011; Nanetti et al., 2012); Nonsense variant predicted to result in protein truncation or nonsense mediated decay in a gene for which loss of function is a known mechanism of disease; Not observed at significant frequency in large population cohorts (gnomAD); This variant is associated with the following publications: (PMID: 20718791, 22960362, 11087788)

Athena Diagnostics
Classification: Pathogenic. Last evaluated: 2021-01-15. Review status: criteria provided, single submitter. Criteria: Athena Diagnostics Criteria. Collection method: clinical testing. Allele origin: unknown.
Comment: This variant is expected to result in the loss of a functional protein. This variant has not been reported in large, multi-ethnic general populations. This variant has been identified in at least one individual with clinical features associated with this gene.

Literature cited by the submitters: PubMed 20932283 (cited by Labcorp Genetics (formerly Invitae), Labcorp); PubMed 11087788 (cited by Labcorp Genetics (formerly Invitae), Labcorp and Athena Diagnostics); PubMed 12552568 (cited by Labcorp Genetics (formerly Invitae), Labcorp and Athena Diagnostics); PubMed 20718791 (cited by Labcorp Genetics (formerly Invitae), Labcorp and Athena Diagnostics); PubMed 22960362 (cited by Labcorp Genetics (formerly Invitae), Labcorp and Athena Diagnostics).

NM_014946.4(SPAST):c.334G>T (p.Glu112Ter)

Gene: SPAST (spastin; plus strand). Cytogenetic location: 2p22.3.
Variant type: single nucleotide variant.
Coding change: c.334G>T on transcript NM_014946.4 (MANE Select); coding-DNA position 334, G replaced by T.
Protein change: p.Glu112Ter; replaces glutamic acid 112 with a stop codon.
Molecular consequence: nonsense.
Genome position (GRCh38, 1-based): chr2:32,064,165, G>T. VCF-style: chr2-32064165-G-T. GRCh37 (hg19) VCF-style: chr2-32289234-G-T.
Other names: c.334G>T, p.Glu112Ter (NM_001363823.2, NM_001363875.2, NM_001377959.1 and 1 more transcripts); short protein forms E112*.
Identifiers: ClinVar variation 523792 (VCV000523792.15), dbSNP rs1553394603, ClinGen allele CA346602318.